The following is an entry in ClinVar:

ClinVar aggregate classification (germline): Uncertain significance (1 of 4 stars; one submission).

Submission:

Labcorp Genetics (formerly Invitae), Labcorp
Classification: Uncertain significance. Last evaluated: 2023-09-03. Review status: criteria provided, single submitter. Criteria: Invitae Variant Classification Sherloc (09022015). Collection method: clinical testing. Allele origin: germline.
Comment: In summary, the available evidence is currently insufficient to determine the role of this variant in disease. Therefore, it has been classified as a Variant of Uncertain Significance. Experimental studies and prediction algorithms are not available or were not evaluated, and the functional significance of this variant is currently unknown. This variant has not been reported in the literature in individuals affected with IKZF1-related conditions. This variant is not present in population databases (gnomAD no frequency). This sequence change creates a premature translational stop signal (p.Gln366*) in the IKZF1 gene. While this is not anticipated to result in nonsense mediated decay, it is expected to disrupt the last 154 amino acid(s) of the IKZF1 protein.

NM_006060.6(IKZF1):c.1096C>T (p.Gln366Ter)

Gene: IKZF1 (IKAROS family zinc finger 1; plus strand). Cytogenetic location: 7p12.2.
Variant type: single nucleotide variant.
Coding change: c.1096C>T on transcript NM_006060.6 (MANE Select); coding-DNA position 1096, C replaced by T.
Protein change: p.Gln366Ter; replaces glutamine 366 with a stop codon.
Molecular consequence: nonsense.
Genome position (GRCh38, 1-based): chr7:50,400,163, C>T. VCF-style: chr7-50400163-C-T. GRCh37 (hg19) VCF-style: chr7-50467861-C-T.
Other names: c.679C>T, p.Gln227Ter (NM_001220770.2); c.667C>T, p.Gln223Ter (NM_001220771.2, NM_001291841.1); c.970C>T, p.Gln324Ter (NM_001291837.2, NM_001220765.3); c.835C>T, p.Gln279Ter (NM_001291838.2, NM_001220768.2); c.709C>T, p.Gln237Ter (NM_001291839.2); c.406C>T, p.Gln136Ter (NM_001291840.1); c.637C>T, p.Gln213Ter (NM_001291842.1); c.541C>T, p.Gln181Ter (NM_001291843.1); and 3 more; short protein forms Q181*, Q213*, Q223*, Q237*, Q171*, Q366*, Q227*, Q324*.
Identifiers: ClinVar variation 2757548 (VCV002757548.3), dbSNP rs2153518372, ClinGen allele CA367524406.